The following is an entry in ClinVar:

NM_004519.4(KCNQ3):c.860C>T (p.Pro287Leu)

Gene: KCNQ3 (potassium voltage-gated channel subfamily Q member 3; minus strand). Cytogenetic location: 8q24.22.
Variant type: single nucleotide variant.
Coding change: c.860C>T on transcript NM_004519.4 (MANE Select); coding-DNA position 860, C replaced by T.
Protein change: p.Pro287Leu; replaces proline 287 with leucine.
Molecular consequence: missense variant.
Genome position (GRCh38, 1-based): chr8:132,175,526, G>A on the plus strand (C>T on the coding strand, the complement: KCNQ3 is on the minus strand). VCF-style: chr8-132175526-G-A. GRCh37 (hg19) VCF-style: chr8-133187773-G-A.
Other names: c.500C>T, p.Pro167Leu (NM_001204824.2); short protein forms P287L, P167L.
Identifiers: ClinVar variation 405220 (VCV000405220.11), dbSNP rs531151809, ClinGen allele CA16612208.

ClinVar aggregate classification (germline): Uncertain significance (1 of 4 stars; one submission).

Conditions:
Benign neonatal seizures. Also called: Benign familial neonatal seizures; Convulsions benign familial neonatal dominant form; Autosomal dominant form of benign neonatal seizures; Benign familial neonatal epilepsy; Benign neonatal familial convulsions. Identifiers: Orphanet 1949, MedGen C0220669, MONDO:0016027.

Allele frequency attached by ClinVar (database versions not stated): gnomAD exomes below 0.00001; gnomAD 0.00001; 1000 Genomes Project 30x 0.00016; 1000 Genomes Project 0.00020.
gnomAD v4.1: 1 of 1,614,128 alleles (0.000062%); highest among the groups gnomAD compares: East Asian, 0.0022%; no homozygotes.

Submission:

Labcorp Genetics (formerly Invitae), Labcorp
Classification: Uncertain significance for Benign neonatal seizures. Last evaluated: 2024-04-29. Review status: criteria provided, single submitter. Criteria: Invitae Variant Classification Sherloc (09022015). Collection method: clinical testing. Allele origin: germline.
Comment: This sequence change replaces proline, which is neutral and non-polar, with leucine, which is neutral and non-polar, at codon 287 of the KCNQ3 protein (p.Pro287Leu). This variant is not present in population databases (gnomAD no frequency). This variant has not been reported in the literature in individuals affected with KCNQ3-related conditions. ClinVar contains an entry for this variant (Variation ID: 405220). Advanced modeling of protein sequence and biophysical properties (such as structural, functional, and spatial information, amino acid conservation, physicochemical variation, residue mobility, and thermodynamic stability) has been performed at Invitae for this missense variant, however the output from this modeling did not meet the statistical confidence thresholds required to predict the impact of this variant on KCNQ3 protein function. In summary, the available evidence is currently insufficient to determine the role of this variant in disease. Therefore, it has been classified as a Variant of Uncertain Significance.